The following is an entry in ClinVar:

ClinVar aggregate classification (germline): Uncertain significance. Review status: criteria provided, multiple submitters, no conflicts (2 of 4 stars). 2 submissions from 2 submitters: Uncertain significance (2). Last evaluated 2025-06-25.

Conditions:
Familial thoracic aortic aneurysm and aortic dissection (TAAD). Also called: Thoracic aortic aneurysms and dissections. Identifiers: Orphanet 91387, MedGen C4707243, MONDO:0019625.
Ehlers-Danlos syndrome, type 4 (EDSVASC). Also called: Ehlers-Danlos syndrome vascular type; Ehlers Danlos syndrome, ecchymotic type; Ehlers Danlos syndrome, arterial type; Ehlers Danlos syndrome, Sack-Barabas type; Ehlers-Danlos Syndrome Type IV. Identifiers: Orphanet 286, MedGen C0268338, MONDO:0017314, OMIM 130050.

gnomAD v4.1: 2 of 1,614,110 alleles (0.00012%); highest among the groups gnomAD compares: Non-Finnish European, 0.00017%; no homozygotes.

Submissions (2):

Ambry Genetics
Classification: Uncertain significance for Familial thoracic aortic aneurysm and aortic dissection. Last evaluated: 2025-06-25. Review status: criteria provided, single submitter. Criteria: Ambry Variant Classification Scheme 2023. Collection method: clinical testing. Allele origin: germline.
Comment: The c.3418-3T>C intronic variant results from a T to C substitution 3 nucleotides upstream from coding exon 47 in the COL3A1 gene. This nucleotide position is well conserved in available vertebrate species. In silico splice site analysis predicts that this alteration will not have any significant effect on splicing. Based on the available evidence, the clinical significance of this variant remains unclear.

All of Us Research Program, National Institutes of Health
Classification: Uncertain significance for Ehlers-Danlos syndrome, type 4. Last evaluated: 2024-07-20. Review status: criteria provided, single submitter. Criteria: ACMG Guidelines, 2015. Collection method: clinical testing. Allele origin: germline. Inheritance: Autosomal dominant inheritance. Observed: 1 variant allele, 1 heterozygote.
Comment: This variant causes a T to C nucleotide substitution at the -3 position of intron 46 of the COL3A1 gene. To our knowledge, functional studies have not been reported for this variant. This variant has not been reported in individuals affected with COL3A1-related disorders in the literature. This variant has not been identified in the general population by the Genome Aggregation Database (gnomAD). The available evidence is insufficient to determine the role of this variant in disease conclusively. Therefore, this variant is classified as a Variant of Uncertain Significance.

This study involves interpretation of variants in research participants for the purpose of population health screening. Participant phenotype was not available at the time of variant classification. Additional details can be found in publication PMID: 35346344, PMCID: PMC8962531

NM_000090.4(COL3A1):c.3418-3T>C

Gene: COL3A1 (collagen type III alpha 1 chain; plus strand). Cytogenetic location: 2q32.2.
Variant type: single nucleotide variant.
Coding change: c.3418-3T>C on transcript NM_000090.4 (MANE Select); 3 bases into the intron before coding-DNA position 3418, T replaced by C.
Molecular consequence: intron variant.
Genome position (GRCh38, 1-based): chr2:189,008,032, T>C. VCF-style: chr2-189008032-T-C. GRCh37 (hg19) VCF-style: chr2-189872758-T-C.
Other names: c.3418-3T>C (NM_000090.3).
Identifiers: ClinVar variation 3386486 (VCV003386486.2).